The following is an entry in ClinVar:

NM_018100.4(EFHC1):c.1834G>C (p.Asp612His)

Gene: EFHC1 (EF-hand domain containing 1; plus strand). Cytogenetic location: 6p12.2.
Variant type: single nucleotide variant.
Coding change: c.1834G>C on transcript NM_018100.4 (MANE Select); coding-DNA position 1834, G replaced by C.
Protein change: p.Asp612His; replaces aspartic acid 612 with histidine.
Molecular consequence: missense variant. On other transcripts: non-coding transcript variant (1).
Genome position (GRCh38, 1-based): chr6:52,490,333, G>C. VCF-style: chr6-52490333-G-C. GRCh37 (hg19) VCF-style: chr6-52355131-G-C.
Other names: c.1777G>C, p.Asp593His (NM_001172420.2); short protein forms D593H, D612H.
Identifiers: ClinVar variation 1443304 (VCV001443304.9), dbSNP rs1331948538, ClinGen allele CA364458984.

ClinVar aggregate classification (germline): Uncertain significance. Review status: criteria provided, multiple submitters, no conflicts (2 of 4 stars). 2 submissions from 2 submitters: Uncertain significance (2). Last evaluated 2020-11-03.

Conditions:
Absence seizure. Also called: Absence epilepsy. Identifiers: Orphanet 1941, MedGen C0014553.
Myoclonic epilepsy, juvenile, susceptibility to, 1. Also called: Myoclonic Epilepsy, Juvenile, 1; EJM1. Identifiers: MedGen C1850778, MONDO:0020752, OMIM 254770.

Allele frequency attached by ClinVar (database versions not stated): gnomAD 0.00001; gnomAD exomes 0.00001.
gnomAD v4.1: 10 of 1,613,934 alleles (0.00062%); highest among the groups gnomAD compares: Non-Finnish European, 0.00068%; no homozygotes.

Submissions (2):

Labcorp Genetics (formerly Invitae), Labcorp
Classification: Uncertain significance for Myoclonic epilepsy, juvenile, susceptibility to, 1; Absence seizure. Last evaluated: 2020-11-03. Review status: criteria provided, single submitter. Criteria: Invitae Variant Classification Sherloc (09022015). Collection method: clinical testing. Allele origin: germline.
Comment: In summary, the available evidence is currently insufficient to determine the role of this variant in disease. Therefore, it has been classified as a Variant of Uncertain Significance. Algorithms developed to predict the effect of missense changes on protein structure and function are either unavailable or do not agree on the potential impact of this missense change (SIFT: "Tolerated"; PolyPhen-2: "Possibly Damaging"; Align-GVGD: "Class C0"). This variant has not been reported in the literature in individuals with EFHC1-related conditions. This variant is not present in population databases (ExAC no frequency). This sequence change replaces aspartic acid with histidine at codon 612 of the EFHC1 protein (p.Asp612His). The aspartic acid residue is moderately conserved and there is a moderate physicochemical difference between aspartic acid and histidine.

Blueprint Genetics
Classification: Uncertain significance. Last evaluated: 2019-10-15. Review status: criteria provided, single submitter. Criteria: ACMG Guidelines, 2015. Collection method: clinical testing. Allele origin: germline.